The following is an entry in ClinVar:

ClinVar aggregate classification (germline): Likely benign. Review status: criteria provided, single submitter (1 of 4 stars). 2 submissions from 2 submitters: Likely benign (1). 1 of the submissions does not count toward it. Last evaluated 2026-01-20.

Conditions:
CYP17A1-related disorder. Also called: CYP17A1-related condition.

Allele frequency attached by ClinVar (database versions not stated): gnomAD exomes 0.00002 and 0.00004; ExAC 0.00005; ESP Exome Variant Server 0.00015; TOPMed 0.00018; gnomAD 0.00021 and 0.00022; 1000 Genomes Project 0.00060; 1000 Genomes Project 30x 0.00062.
gnomAD v4.1: 61 of 1,597,958 alleles (0.0038%); highest among the groups gnomAD compares: African/African-American, 0.059%; no homozygotes.

Submissions (2):

Labcorp Genetics (formerly Invitae), Labcorp
Classification: Likely benign. Last evaluated: 2026-01-20. Review status: criteria provided, single submitter. Criteria: Invitae Variant Classification Sherloc (09022015). Collection method: clinical testing. Allele origin: germline.

PreventionGenetics, part of Exact Sciences
Classification: Likely benign for CYP17A1-related condition. Last evaluated: 2019-03-27. Review status: no assertion criteria provided. Collection method: clinical testing. Allele origin: germline. Not counted in ClinVar's aggregate classification.
Comment: This variant is classified as likely benign based on ACMG/AMP sequence variant interpretation guidelines (Richards et al. 2015 PMID: 25741868, with internal and published modifications).

NM_000102.4(CYP17A1):c.1393C>T (p.Leu465=)

Gene: CYP17A1 (cytochrome P450 family 17 subfamily A member 1; minus strand). Cytogenetic location: 10q24.32.
Variant type: single nucleotide variant.
Coding change: c.1393C>T on transcript NM_000102.4 (MANE Select); coding-DNA position 1393, C replaced by T.
Protein change: p.Leu465=; no amino-acid change (leucine 465 retained).
Molecular consequence: synonymous variant.
Genome position (GRCh38, 1-based): chr10:102,830,836, G>A on the plus strand (C>T on the coding strand, the complement: CYP17A1 is on the minus strand). VCF-style: chr10-102830836-G-A. GRCh37 (hg19) VCF-style: chr10-104590593-G-A.
Identifiers: ClinVar variation 735438 (VCV000735438.13), dbSNP rs150171711, ClinGen allele CA5669328.
Genomic context (GRCh38, chr10:102,830,836, plus strand): 5'-GAAAGACCACCTTGGGGATGCCTTCCAGGGAGGGCAGCTGCCCATCATCTGGCACCTCCA[G>A]GTCGAACCTCTGCAGCAGCCAGGCCATGATGAGGAAGAGCTCCTGGCGGGCCAGGATCTC-3'
Protein context (NP_000093.1, residues 455-475): IMAWLLQRFD[Leu465=]EVPDDGQLPS